The following is an entry in ClinVar:

NM_006267.5(RANBP2):c.4862C>T (p.Ala1621Val)

Gene: RANBP2 (RAN binding protein 2; plus strand). Cytogenetic location: 2q13.
Variant type: single nucleotide variant.
Coding change: c.4862C>T on transcript NM_006267.5 (MANE Select); coding-DNA position 4862, C replaced by T.
Protein change: p.Ala1621Val; replaces alanine 1621 with valine.
Molecular consequence: missense variant.
Genome position (GRCh38, 1-based): chr2:108,765,401, C>T. VCF-style: chr2-108765401-C-T. GRCh37 (hg19) VCF-style: chr2-109381857-C-T.
Other names: c.4862C>T, p.Ala1621Val (NM_001415871.1, NM_001415873.1); c.4859C>T, p.Ala1620Val (NM_001415872.1); short protein forms A1620V, A1621V.
Identifiers: ClinVar variation 2651253 (VCV002651253.24), dbSNP rs2467628061, ClinGen allele CA348068931.
Genomic context (GRCh38, chr2:108,765,401, plus strand): 5'-GAATGTTCACTAAGAAGGAGGGACAGTGGGATTGCAGTGTGTGCTTAGTAAGAAATGAAG[C>T]CAGTGCTACCAAATGTATTGCTTGTCAGAATCCAGGTAAACAAAATCAAACTACTTCTGC-3'
Protein context (NP_006258.3, residues 1611-1631): DCSVCLVRNE[Ala1621Val]SATKCIACQN

ClinVar aggregate classification (germline): Uncertain significance (1 of 4 stars; one submission).

Submission:

CeGaT Center for Human Genetics Tuebingen
Classification: Uncertain significance. Last evaluated: 2023-04-01. Review status: criteria provided, single submitter. Criteria: CeGaT Center For Human Genetics Tuebingen Variant Classification Criteria Version 2. Collection method: clinical testing. Allele origin: germline. Affected: yes. Observed: 1 variant allele.
Comment: RANBP2: PM2, BP4